The following is an entry in ClinVar:

ClinVar aggregate classification (germline): Uncertain significance (1 of 4 stars; one submission).

Conditions:
Infantile-onset ascending hereditary spastic paralysis (IAHSP). Also called: Infantile-Onset Ascending Hereditary Spastic Paralysis (IAHSP); Autosomal Recessive Juvenile Amyotrophic Lateral Sclerosis. Identifiers: Orphanet 293168, MedGen C2931441, MONDO:0011797, OMIM 607225. Disease mechanism: loss of function.

Submission:

Labcorp Genetics (formerly Invitae), Labcorp
Classification: Uncertain significance for Infantile-onset ascending hereditary spastic paralysis. Last evaluated: 2022-11-01. Review status: criteria provided, single submitter. Criteria: Invitae Variant Classification Sherloc (09022015). Collection method: clinical testing. Allele origin: germline.
Comment: In summary, the available evidence is currently insufficient to determine the role of this variant in disease. Therefore, it has been classified as a Variant of Uncertain Significance. Algorithms developed to predict the effect of missense changes on protein structure and function (SIFT, PolyPhen-2, Align-GVGD) all suggest that this variant is likely to be tolerated. This variant has not been reported in the literature in individuals affected with ALS2-related conditions. This variant is not present in population databases (gnomAD no frequency). This sequence change replaces alanine, which is neutral and non-polar, with glycine, which is neutral and non-polar, at codon 440 of the ALS2 protein (p.Ala440Gly).

NM_020919.4(ALS2):c.1319C>G (p.Ala440Gly)

Gene: ALS2 (alsin Rho guanine nucleotide exchange factor ALS2; minus strand). Cytogenetic location: 2q33.1.
Variant type: single nucleotide variant.
Coding change: c.1319C>G on transcript NM_020919.4 (MANE Select); coding-DNA position 1319, C replaced by G.
Protein change: p.Ala440Gly; replaces alanine 440 with glycine.
Molecular consequence: missense variant.
Genome position (GRCh38, 1-based): chr2:201,757,554, G>C on the plus strand (C>G on the coding strand, the complement: ALS2 is on the minus strand). VCF-style: chr2-201757554-G-C. GRCh37 (hg19) VCF-style: chr2-202622277-G-C.
Other names: c.1319C>G, p.Ala440Gly (NM_001410975.1); short protein forms A440G.
Identifiers: ClinVar variation 1990666 (VCV001990666.4), dbSNP rs2469899654, ClinGen allele CA350326784.